The following is an entry in ClinVar:

ClinVar aggregate classification (germline): Likely benign. Review status: criteria provided, multiple submitters, no conflicts (2 of 4 stars). 2 submissions from 2 submitters: Likely benign (2). Last evaluated 2023-07-07.

Conditions:
Methylmalonic acidemia with homocystinuria, type cblX (MAHCX). Also called: INTELLECTUAL DEVELOPMENTAL DISORDER, X-LINKED 3. Identifiers: Orphanet 369962, MedGen C0796208, MONDO:0010657, OMIM 309541.

Allele frequency attached by ClinVar (database versions not stated): ExAC below 0.00001; gnomAD 0.00001; gnomAD exomes 0.00001; TOPMed 0.00002; ESP Exome Variant Server 0.00010.
gnomAD v4.1: 8 of 1,199,408 alleles (0.00067%); highest among the groups gnomAD compares: South Asian, 0.0018%; no homozygotes.

Submissions (2):

Labcorp Genetics (formerly Invitae), Labcorp
Classification: Likely benign for Methylmalonic acidemia with homocystinuria, type cblX. Last evaluated: 2023-07-07. Review status: criteria provided, single submitter. Criteria: Invitae Variant Classification Sherloc (09022015). Collection method: clinical testing. Allele origin: germline.

GeneDx
Classification: Likely benign. Last evaluated: 2016-05-20. Review status: criteria provided, single submitter. Criteria: GeneDx Variant Classification (06012015). Collection method: clinical testing. Allele origin: germline. Affected: yes.
Comment: This variant is considered likely benign or benign based on one or more of the following criteria: it is a conservative change, it occurs at a poorly conserved position in the protein, it is predicted to be benign by multiple in silico algorithms, and/or has population frequency not consistent with disease.

NM_005334.3(HCFC1):c.4881G>A (p.Thr1627=)

Gene: HCFC1 (host cell factor C1; minus strand). Cytogenetic location: Xq28.
Variant type: single nucleotide variant.
Coding change: c.4881G>A on transcript NM_005334.3 (MANE Select); coding-DNA position 4881, G replaced by A.
Protein change: p.Thr1627=; no amino-acid change (threonine 1627 retained).
Molecular consequence: synonymous variant.
Genome position (GRCh38, 1-based): chrX:153,952,575, C>T on the plus strand (G>A on the coding strand, the complement: HCFC1 is on the minus strand). VCF-style: chrX-153952575-C-T. GRCh37 (hg19) VCF-style: chrX-153218026-C-T.
Identifiers: ClinVar variation 386061 (VCV000386061.4), dbSNP rs368086196, ClinGen allele CA10556905.
Genomic context (GRCh38, chrX:153,952,575, plus strand): 5'-CATGACGGCCTGCTGCGCGGCCTGGAGCACCGCCTGGATGGCCAGGGCCTGGGCTTCCTC[C>T]GTGGCTGCGGCCTGGGCAGCTGCTTCTGCAGCAGCCGTCACTGCCAGCTCCTCGGGGGTG-3'
Protein context (NP_005325.2, residues 1617-1637): AAEAAAQAAA[Thr1627=]EEAQALAIQA